The following is an entry in ClinVar:

NM_001429.4(EP300):c.2053+1G>C

Gene: EP300 (EP300 lysine acetyltransferase; plus strand). Cytogenetic location: 22q13.2.
Variant type: single nucleotide variant.
Coding change: c.2053+1G>C on transcript NM_001429.4 (MANE Select); the canonical splice donor site of the intron after coding-DNA position 2053, G replaced by C.
Molecular consequence: splice donor variant.
Genome position (GRCh38, 1-based): chr22:41,141,223, G>C. VCF-style: chr22-41141223-G-C. GRCh37 (hg19) VCF-style: chr22-41537227-G-C.
Other names: c.2053+1G>C (NM_001362843.2).
Identifiers: ClinVar variation 4076578 (VCV004076578.1).

ClinVar aggregate classification (germline): Pathogenic (1 of 4 stars; one submission).

Submission:

GeneDx
Classification: Pathogenic. Last evaluated: 2025-02-24. Review status: criteria provided, single submitter. Criteria: GeneDx Variant Classification Process June 2021. Collection method: clinical testing. Allele origin: germline. Affected: yes.
Comment: Canonical splice site variant predicted to result in a null allele in a gene for which loss of function is a known mechanism of disease; Not observed at significant frequency in large population cohorts (gnomAD); This variant is associated with the following publications: (PMID: 27648933)